The following is an entry in ClinVar:

ClinVar aggregate classification (germline): Uncertain significance. Review status: criteria provided, multiple submitters, no conflicts (2 of 4 stars). 2 submissions from 2 submitters: Uncertain significance (2). Last evaluated 2022-07-09.

Conditions:
Inborn genetic diseases. Identifiers: MedGen C0950123, MeSH D030342.

Allele frequency attached by ClinVar (database versions not stated): ExAC 0.00002; TOPMed 0.00002; gnomAD 0.00003; ESP Exome Variant Server 0.00008.
gnomAD v4.1: 112 of 1,614,054 alleles (0.0069%); highest among the groups gnomAD compares: Middle Eastern, 0.016%; no homozygotes.

Submissions (2):

Labcorp Genetics (formerly Invitae), Labcorp
Classification: Uncertain significance. Last evaluated: 2022-07-09. Review status: criteria provided, single submitter. Criteria: Invitae Variant Classification Sherloc (09022015). Collection method: clinical testing. Allele origin: germline.
Comment: This sequence change replaces valine, which is neutral and non-polar, with methionine, which is neutral and non-polar, at codon 401 of the VAC14 protein (p.Val401Met). This variant is present in population databases (rs148931967, gnomAD 0.005%). This variant has not been reported in the literature in individuals affected with VAC14-related conditions. Algorithms developed to predict the effect of missense changes on protein structure and function output the following: SIFT: "Tolerated"; PolyPhen-2: "Benign"; Align-GVGD: "Class C0". The methionine amino acid residue is found in multiple mammalian species, which suggests that this missense change does not adversely affect protein function. In summary, the available evidence is currently insufficient to determine the role of this variant in disease. Therefore, it has been classified as a Variant of Uncertain Significance.

Ambry Genetics
Classification: Uncertain significance for Inborn genetic diseases. Last evaluated: 2021-09-27. Review status: criteria provided, single submitter. Criteria: Ambry Variant Classification Scheme 2023. Collection method: clinical testing. Allele origin: germline.

NM_018052.5(VAC14):c.1201G>A (p.Val401Met)

Genes: VAC14 (VAC14 component of PIKFYVE complex; minus strand), VAC14-AS1 (VAC14 antisense RNA 1; plus strand). Cytogenetic location: 16q22.1.
Variant type: single nucleotide variant.
Coding change: c.1201G>A on transcript NM_018052.5 (MANE Select); coding-DNA position 1201, G replaced by A.
Protein change: p.Val401Met; replaces valine 401 with methionine.
Molecular consequence: missense variant.
Genome position (GRCh38, 1-based): chr16:70,762,985, C>T on the plus strand (G>A on the coding strand, the complement: VAC14 is on the minus strand). VCF-style: chr16-70762985-C-T. GRCh37 (hg19) VCF-style: chr16-70796888-C-T.
Other names: c.499G>A, p.Val167Met (NM_001351157.2); c.1201G>A (NM_018052.3); short protein forms V401M, V167M.
Identifiers: ClinVar variation 2167249 (VCV002167249.2), dbSNP rs148931967, ClinGen allele CA8147767.